The following is an entry in ClinVar:

ClinVar aggregate classification (germline): Uncertain significance. Review status: criteria provided, multiple submitters, no conflicts (2 of 4 stars). 5 submissions from 5 submitters: Uncertain significance (4). 1 of the submissions does not count toward it. Last evaluated 2026-04-14.

Conditions:
ABCB4-related disorder. Also called: ABCB4-related disorders; ABCB4-related condition.
Low phospholipid associated cholelithiasis (GBD1). Also called: Gallstone cholecystitis; Gallbladder disease 1. Identifiers: Orphanet 69663, MedGen C2609268, MONDO:0010939, OMIM 600803.

Allele frequency attached by ClinVar (database versions not stated): ExAC 0.00002; gnomAD exomes 0.00004 and 0.00010; gnomAD 0.00005; TOPMed 0.00005.
gnomAD v4.1: 144 of 1,613,888 alleles (0.0089%); highest among the groups gnomAD compares: Non-Finnish European, 0.012%; no homozygotes.

Submissions (5):

Genomenon, Inc
Classification: Uncertain significance for Low phospholipid associated cholelithiasis. Last evaluated: 2026-04-14. Review status: criteria provided, single submitter. Criteria: Genomenon Sequence Variant Interpretation Standards - Updated. Collection method: curation. Allele origin: germline. Affected: yes.
Comment: ABCB4 p.Phe94Leu (c.280T>C) is a missense variant that changes the amino acid at residue 94 from Phenylalanine to Leucine. This variant has been observed in at least one proband with an ABCB4-related disorder (PMID:31538484). It is absent or not present at a significant frequency in gnomAD. In silico models predict that this variant is not damaging. In conclusion, we classify ABCB4 p.Phe94Leu (c.280T>C) as a variant of uncertain significance.

Labcorp Genetics (formerly Invitae), Labcorp
Classification: Uncertain significance. Last evaluated: 2026-01-18. Review status: criteria provided, single submitter. Criteria: Invitae Variant Classification Sherloc (09022015). Collection method: clinical testing. Allele origin: germline.
Comment: This sequence change replaces phenylalanine, which is neutral and non-polar, with leucine, which is neutral and non-polar, at codon 94 of the ABCB4 protein (p.Phe94Leu). This variant is present in population databases (rs567483147, gnomAD 0.009%). This missense change has been observed in individual(s) with clinical features of ABCB4-related conditions (PMID: 31538484, 38374565). ClinVar contains an entry for this variant (Variation ID: 498605). An algorithm developed to predict the effect of missense changes on protein structure and function outputs the following: PolyPhen-2: "Benign". The leucine amino acid residue is found in multiple mammalian species, which suggests that this missense change does not adversely affect protein function. In summary, the available evidence is currently insufficient to determine the role of this variant in disease. Therefore, it has been classified as a Variant of Uncertain Significance.

Centre of Medical Genetics, University Hospital Muenster
Classification: Uncertain significance. Last evaluated: 2022-10-10. Review status: criteria provided, single submitter. Criteria: ACMG Guidelines, 2015. Collection method: clinical testing. Allele origin: unknown. Affected: yes. Observed: 1 variant allele, 1 heterozygote.
Comment: ACMG categories: PM2,PP2

Eurofins Ntd Llc (ga)
Classification: Uncertain significance. Last evaluated: 2016-11-15. Review status: criteria provided, single submitter. Criteria: EGL Classification Definitions 2015. Collection method: clinical testing. Allele origin: germline. Observed: 1 variant allele, 1 heterozygote.

PreventionGenetics, part of Exact Sciences
Classification: Uncertain significance for ABCB4-related condition. Last evaluated: 2024-07-24. Review status: no assertion criteria provided. Collection method: clinical testing. Allele origin: germline. Not counted in ClinVar's aggregate classification.
Comment: The ABCB4 c.280T>C variant is predicted to result in the amino acid substitution p.Phe94Leu. This variant was reported in an individual with low phospholipid associated cholelithiasis (Huynh et al. 2019. PubMed ID: 31538484) and in a child with cholestatic liver disease (Hegarty et al. 2024. PubMed ID: 38374565). This variant is reported in 0.010% of alleles in individuals of European (Non-Finnish) descent in gnomAD. At this time, the clinical significance of this variant is uncertain due to the absence of conclusive functional and genetic evidence.

Literature cited by the submitters: PubMed 31538484 (cited by Genomenon, Inc and Labcorp Genetics (formerly Invitae), Labcorp); PubMed 38374565 (cited by Labcorp Genetics (formerly Invitae), Labcorp).

NM_000443.4(ABCB4):c.280T>C (p.Phe94Leu)

Gene: ABCB4 (ATP binding cassette subfamily B member 4; minus strand). Cytogenetic location: 7q21.12.
Variant type: single nucleotide variant.
Coding change: c.280T>C on transcript NM_000443.4 (MANE Select); coding-DNA position 280, T replaced by C.
Protein change: p.Phe94Leu; replaces phenylalanine 94 with leucine.
Molecular consequence: missense variant.
Genome position (GRCh38, 1-based): chr7:87,462,764, A>G on the plus strand (T>C on the coding strand, the complement: ABCB4 is on the minus strand). VCF-style: chr7-87462764-A-G. GRCh37 (hg19) VCF-style: chr7-87092080-A-G.
Other names: c.280T>C (NM_000443.3); c.280T>C, p.Phe94Leu (NM_018849.3, NM_018850.3); short protein forms F94L.
Identifiers: ClinVar variation 498605 (VCV000498605.9), dbSNP rs567483147, ClinGen allele CA4327582.